The following is an entry in ClinVar:

ClinVar aggregate classification (germline): Uncertain significance (1 of 4 stars; one submission).

gnomAD v4.1: 1 of 1,614,082 alleles (0.000062%); no homozygotes.

Submission:

Labcorp Genetics (formerly Invitae), Labcorp
Classification: Uncertain significance. Last evaluated: 2021-11-14. Review status: criteria provided, single submitter. Criteria: Invitae Variant Classification Sherloc (09022015). Collection method: clinical testing. Allele origin: germline.
Comment: In summary, the available evidence is currently insufficient to determine the role of this variant in disease. Therefore, it has been classified as a Variant of Uncertain Significance. Advanced modeling of protein sequence and biophysical properties (such as structural, functional, and spatial information, amino acid conservation, physicochemical variation, residue mobility, and thermodynamic stability) performed at Invitae indicates that this missense variant is not expected to disrupt CNGB1 protein function. This variant has not been reported in the literature in individuals affected with CNGB1-related conditions. This variant is not present in population databases (gnomAD no frequency). This sequence change replaces proline, which is neutral and non-polar, with alanine, which is neutral and non-polar, at codon 685 of the CNGB1 protein (p.Pro685Ala).

NM_001297.5(CNGB1):c.2053C>G (p.Pro685Ala)

Gene: CNGB1 (cyclic nucleotide gated channel subunit beta 1; minus strand). Cytogenetic location: 16q21.
Variant type: single nucleotide variant.
Coding change: c.2053C>G on transcript NM_001297.5 (MANE Select); coding-DNA position 2053, C replaced by G.
Protein change: p.Pro685Ala; replaces proline 685 with alanine.
Molecular consequence: missense variant.
Genome position (GRCh38, 1-based): chr16:57,917,381, G>C on the plus strand (C>G on the coding strand, the complement: CNGB1 is on the minus strand). VCF-style: chr16-57917381-G-C. GRCh37 (hg19) VCF-style: chr16-57951285-G-C.
Other names: c.2035C>G, p.Pro679Ala (NM_001286130.2); short protein forms P679A, P685A.
Identifiers: ClinVar variation 1393325 (VCV001393325.6), dbSNP rs1308922108, ClinGen allele CA396064390.